The following is an entry in ClinVar:

ClinVar aggregate classification (germline): Pathogenic (1 of 4 stars; one submission).

Submission:

Labcorp Genetics (formerly Invitae), Labcorp
Classification: Pathogenic. Last evaluated: 2024-02-25. Review status: criteria provided, single submitter. Criteria: Invitae Variant Classification Sherloc (09022015). Collection method: clinical testing. Allele origin: germline.
Comment: This sequence change creates a premature translational stop signal (p.Ile495Tyrfs*58) in the ITGA6 gene. It is expected to result in an absent or disrupted protein product. Loss-of-function variants in ITGA6 are known to be pathogenic (PMID: 9158140, 9185503, 9804362, 27607025). This variant is not present in population databases (gnomAD no frequency). This variant has not been reported in the literature in individuals affected with ITGA6-related conditions. For these reasons, this variant has been classified as Pathogenic.

Literature cited by the submitters: PubMed 9158140; PubMed 9185503; PubMed 9804362; PubMed 27607025.

NM_000210.4(ITGA6):c.1482del (p.Ile495fs)

Genes: ITGA6 (integrin subunit alpha 6; plus strand), PDK1-AS1 (PDK1 and ITGA6 antisense RNA 1; minus strand). Cytogenetic location: 2q31.1.
Variant type: Deletion.
Coding change: c.1482del on transcript NM_000210.4 (MANE Select); coding-DNA position 1482, one base deleted (G; older notation c.1482delG).
Protein change: p.Ile495fs; shifts the reading frame from isoleucine 495.
Molecular consequence: frameshift variant.
Genome position (GRCh38, 1-based): chr2:172,479,734, G deleted; the last of 3 consecutive G bases (chr2:172,479,732-172,479,734); deleting any one gives the same sequence. VCF-style (leftmost placement, unchanged base first): chr2-172479731-TG-T. GRCh37 (hg19) VCF-style: chr2-173344459-TG-T.
Other names: c.1482del, p.Ile495fs (NM_001079818.3, NM_001365529.2, NM_001365530.2); c.1125del, p.Ile376fs (NM_001316306.2); c.1599del, p.Ile534fs (NM_001394928.1); short protein forms I534fs, I376fs, I495fs.
Identifiers: ClinVar variation 3631021 (VCV003631021.2).